The following is an entry in ClinVar:

ClinVar aggregate classification (germline): Uncertain significance (1 of 4 stars; one submission).

Conditions:
Nephronophthisis. Also called: Juvenile Nephronophthisis. Identifiers: Orphanet 655, MedGen C0687120, MONDO:0019005, HP:0000090.

Allele frequency attached by ClinVar (database versions not stated): gnomAD exomes below 0.00001.
gnomAD v4.1: 1 of 1,614,134 alleles (0.000062%); highest among the groups gnomAD compares: African/African-American, 0.0013%; no homozygotes.

Submission:

Labcorp Genetics (formerly Invitae), Labcorp
Classification: Uncertain significance for Nephronophthisis. Last evaluated: 2020-10-08. Review status: criteria provided, single submitter. Criteria: Invitae Variant Classification Sherloc (09022015). Collection method: clinical testing. Allele origin: germline.
Comment: This sequence change replaces threonine with arginine at codon 841 of the INVS protein (p.Thr841Arg). The threonine residue is weakly conserved and there is a moderate physicochemical difference between threonine and arginine. In summary, the available evidence is currently insufficient to determine the role of this variant in disease. Therefore, it has been classified as a Variant of Uncertain Significance. Algorithms developed to predict the effect of missense changes on protein structure and function (SIFT, PolyPhen-2, Align-GVGD) all suggest that this variant is likely to be tolerated, but these predictions have not been confirmed by published functional studies and their clinical significance is uncertain. This variant has not been reported in the literature in individuals with INVS-related conditions. This variant is not present in population databases (ExAC no frequency).

NM_014425.5(INVS):c.2522C>G (p.Thr841Arg)

Gene: INVS (inversin; plus strand). Cytogenetic location: 9q31.1.
Variant type: single nucleotide variant.
Coding change: c.2522C>G on transcript NM_014425.5 (MANE Select); coding-DNA position 2522, C replaced by G.
Protein change: p.Thr841Arg; replaces threonine 841 with arginine.
Molecular consequence: missense variant. On other transcripts: non-coding transcript variant (1).
Genome position (GRCh38, 1-based): chr9:100,292,779, C>G. VCF-style: chr9-100292779-C-G. GRCh37 (hg19) VCF-style: chr9-103055061-C-G.
Other names: c.2234C>G, p.Thr745Arg (NM_001318381.2); c.1544C>G, p.Thr515Arg (NM_001318382.2); short protein forms T515R, T745R, T841R.
Identifiers: ClinVar variation 1007365 (VCV001007365.8), dbSNP rs1833665476, ClinGen allele CA374243794.